The following is an entry in ClinVar:

NM_000020.3(ACVRL1):c.1198G>A (p.Ala400Thr)

Gene: ACVRL1 (activin A receptor like type 1; plus strand). Cytogenetic location: 12q13.13.
Variant type: single nucleotide variant.
Coding change: c.1198G>A on transcript NM_000020.3 (MANE Select); coding-DNA position 1198, G replaced by A.
Protein change: p.Ala400Thr; replaces alanine 400 with threonine.
Molecular consequence: missense variant.
Genome position (GRCh38, 1-based): chr12:51,916,185, G>A. VCF-style: chr12-51916185-G-A. GRCh37 (hg19) VCF-style: chr12-52309969-G-A.
Other names: c.1198G>A, p.Ala400Thr (NM_001077401.2, NM_001406487.1, NM_001406488.1 and 1 more transcripts); c.886G>A, p.Ala296Thr (NM_001406490.1, NM_001406491.1, NM_001406492.1 and 1 more transcripts); c.634G>A, p.Ala212Thr (NM_001406495.1); short protein forms A212T, A400T, A296T.
Identifiers: ClinVar variation 2169570 (VCV002169570.7), dbSNP rs2139076978, ClinGen allele CA384902898.

ClinVar aggregate classification (germline): Pathogenic/Likely pathogenic. Review status: criteria provided, multiple submitters, no conflicts (2 of 4 stars). 4 submissions from 4 submitters: Pathogenic (1); Likely pathogenic (3). Last evaluated 2025-07-10.

Conditions:
Telangiectasia, hereditary hemorrhagic, type 2 (HHT2). Also called: ACVRL1-Related Hereditary Hemorrhagic Telangiectasia; Telangiectasia, hereditary hemorrhagic, type II. Identifiers: Orphanet 774, MedGen C1838163, MONDO:0010880, OMIM 600376. Disease mechanism: loss of function.
Cardiovascular phenotype. Identifiers: MedGen CN230736.

Submissions (4):

Ambry Genetics
Classification: Likely pathogenic for Cardiovascular phenotype. Last evaluated: 2025-07-10. Review status: criteria provided, single submitter. Criteria: Ambry Variant Classification Scheme 2023. Collection method: clinical testing. Allele origin: germline.
Comment: The p.A400T variant (also known as c.1198G>A), located in coding exon 7 of the ACVRL1 gene, results from a G to A substitution at nucleotide position 1198. The alanine at codon 400 is replaced by threonine, an amino acid with similar properties. This variant was reported in individual(s) with features consistent with hereditary hemorrhagic telangiectasia (HHT) (Richards-Yutz J et al. Hum Genet, 2010 Jul;128:61-77; external communication). This amino acid position is highly conserved in available vertebrate species. In addition, this alteration is predicted to be deleterious by in silico analysis. This variant is considered to be rare based on population cohorts in the Genome Aggregation Database (gnomAD). Based on the majority of available evidence to date, this variant is likely to be pathogenic.

Labcorp Genetics (formerly Invitae), Labcorp
Classification: Pathogenic for Telangiectasia, hereditary hemorrhagic, type 2. Last evaluated: 2025-06-16. Review status: criteria provided, single submitter. Criteria: Invitae Variant Classification Sherloc (09022015). Collection method: clinical testing. Allele origin: germline.
Comment: This sequence change replaces alanine, which is neutral and non-polar, with threonine, which is neutral and polar, at codon 400 of the ACVRL1 protein (p.Ala400Thr). This variant is not present in population databases (gnomAD no frequency). This missense change has been observed in individuals with hereditary hemorrhagic telangiectasia and/or pulmonary arterial hypertension (PMID: 20414677, 30578397; internal data). ClinVar contains an entry for this variant (Variation ID: 2169570). Invitae Evidence Modeling of protein sequence and biophysical properties (such as structural, functional, and spatial information, amino acid conservation, physicochemical variation, residue mobility, and thermodynamic stability) indicates that this missense variant is expected to disrupt ACVRL1 protein function with a positive predictive value of 95%. This variant disrupts the p.Ala400 amino acid residue in ACVRL1. Other variant(s) that disrupt this residue have been observed in individuals with ACVRL1-related conditions (PMID: 12114496), which suggests that this may be a clinically significant amino acid residue. For these reasons, this variant has been classified as Pathogenic.

ARUP Laboratories, Molecular Genetics and Genomics, ARUP Laboratories
Classification: Likely pathogenic for Telangiectasia, hereditary hemorrhagic, type 2. Last evaluated: 2024-05-21. Review status: criteria provided, single submitter. Criteria: ARUP Molecular Germline Variant Investigation Process 2024. Collection method: clinical testing. Allele origin: germline.
Comment: The ACVRL1 c.1198G>A; p.Ala400Thr variant (rs2139076978; ClinVar Variation ID: 2169570) is reported in the literature in two individuals affected with pulmonary arterial hypertension or suspicion for hereditary hemorrhagic telangiectasia (Wang 2019 and Richards-Yutz 2010). This variant is absent from the Genome Aggregation Database (v2.1.1), indicating it is not a common polymorphism. Computational analyses predict that this variant is deleterious (REVEL: 0.901). Additionally, other variants at this codon (c.1199C>A; p.Ala400Asp; c.1198G>C; p.Ala400Pro, c.1199C>T; p.Ala400Val) have been reported in individuals with HHT and are considered likely pathogenic (Canzonieri 2014, Marinakis 2021, Zhu 2018). Based on available information, the p.Ala400Thr variant is considered to be likely pathogenic. References: Canzonieri C et al. Endoscopic evaluation of gastrointestinal tract in patients with hereditary hemorrhagic telangiectasia and correlation with their genotypes. Genet Med. 2014 Jan;16(1):3-10PMID: 23722869. Marinakis NM et al. Phenotype-driven variant filtration strategy in exome sequencing toward a high diagnostic yield and identification of 85 novel variants in 400 patients with rare Mendelian disorders. Am J Med Genet A. 2021 Aug;185(8):2561-2571. PMID: 34008892. Richards-Yutz J et al. Update on molecular diagnosis of hereditary hemorrhagic telangiectasia. Hum Genet. 2010 Jul;128(1):61-77. PMID: 20414677. Wang XJ et al. Germline BMP9 mutation causes idiopathic pulmonary arterial hypertension. Eur Respir J. 2019 Mar 14;53(3):1801609. PMID: 30578397. Zhu N et al. Exome Sequencing in Children With Pulmonary Arterial Hypertension Demonstrates Differences Compared With Adults. Circ Genom Precis Med. 2018 Apr;11(4):e001887. PMID: 29631995

GeneDx
Classification: Likely pathogenic. Last evaluated: 2023-05-10. Review status: criteria provided, single submitter. Criteria: GeneDx Variant Classification Process June 2021. Collection method: clinical testing. Allele origin: germline. Affected: yes.
Comment: Not observed at significant frequency in large population cohorts (gnomAD); In silico analysis supports that this missense variant has a deleterious effect on protein structure/function; This variant is associated with the following publications: (PMID: 30578397, 20414677)

Literature cited by the submitters: PubMed 20414677 (cited by Ambry Genetics and Labcorp Genetics (formerly Invitae), Labcorp); PubMed 30578397 (cited by Labcorp Genetics (formerly Invitae), Labcorp); PubMed 12114496 (cited by Labcorp Genetics (formerly Invitae), Labcorp).